The following is an entry in ClinVar:

NM_000702.4(ATP1A2):c.1318G>A (p.Val440Met)

Gene: ATP1A2 (ATPase Na+/K+ transporting subunit alpha 2; plus strand). Cytogenetic location: 1q23.2.
Variant type: single nucleotide variant.
Coding change: c.1318G>A on transcript NM_000702.4 (MANE Select); coding-DNA position 1318, G replaced by A.
Protein change: p.Val440Met; replaces valine 440 with methionine.
Molecular consequence: missense variant.
Genome position (GRCh38, 1-based): chr1:160,129,081, G>A. VCF-style: chr1-160129081-G-A. GRCh37 (hg19) VCF-style: chr1-160098871-G-A.
Other names: short protein forms V440M.
Identifiers: ClinVar variation 384479 (VCV000384479.11), dbSNP rs768088341, ClinGen allele CA1194439.

ClinVar aggregate classification (germline): Uncertain significance. Review status: criteria provided, multiple submitters, no conflicts (2 of 4 stars). 6 submissions from 6 submitters: Uncertain significance (3). 3 of the submissions do not count toward it. Last evaluated 2022-12-20.

Conditions:
Familial hemiplegic migraine. Identifiers: MedGen C0338484, MONDO:0000700.
Inborn genetic diseases. Identifiers: MedGen C0950123, MeSH D030342.

Allele frequency attached by ClinVar (database versions not stated): TOPMed 0.00002.
gnomAD v4.1: 7 of 1,613,834 alleles (0.00043%); highest among the groups gnomAD compares: Middle Eastern, 0.034%; 1 homozygote.

Submissions (6):

Labcorp Genetics (formerly Invitae), Labcorp
Classification: Uncertain significance for Familial hemiplegic migraine. Last evaluated: 2022-12-20. Review status: criteria provided, single submitter. Criteria: Invitae Variant Classification Sherloc (09022015). Collection method: clinical testing. Allele origin: germline.
Comment: This sequence change replaces valine, which is neutral and non-polar, with methionine, which is neutral and non-polar, at codon 440 of the ATP1A2 protein (p.Val440Met). This variant is present in population databases (rs768088341, gnomAD 0.003%). This variant has not been reported in the literature in individuals affected with ATP1A2-related conditions. ClinVar contains an entry for this variant (Variation ID: 384479). Advanced modeling of protein sequence and biophysical properties (such as structural, functional, and spatial information, amino acid conservation, physicochemical variation, residue mobility, and thermodynamic stability) has been performed at Invitae for this missense variant, however the output from this modeling did not meet the statistical confidence thresholds required to predict the impact of this variant on ATP1A2 protein function. In summary, the available evidence is currently insufficient to determine the role of this variant in disease. Therefore, it has been classified as a Variant of Uncertain Significance.

Ambry Genetics
Classification: Uncertain significance for Inborn genetic diseases. Last evaluated: 2017-08-15. Review status: criteria provided, single submitter. Criteria: Ambry Variant Classification Scheme 2023. Collection method: clinical testing. Allele origin: germline.
Comment: The p.V440M variant (also known as c.1318G>A), located in coding exon 10 of the ATP1A2 gene, results from a G to A substitution at nucleotide position 1318. The valine at codon 440 is replaced by methionine, an amino acid with highly similar properties. This amino acid position is not well conserved in available vertebrate species. In addition, the in silico prediction for this alteration is inconclusive. Since supporting evidence is limited at this time, the clinical significance of this alteration remains unclear.

GeneDx
Classification: Uncertain significance. Last evaluated: 2016-03-15. Review status: criteria provided, single submitter. Criteria: GeneDx Variant Classification (06012015). Collection method: clinical testing. Allele origin: germline. Affected: yes.
Comment: A variant of uncertain significance has been identified in the ATP1A2 gene. The V440M variant has not been published as a pathogenic variant, nor has it been reported as a benign variant to our knowledge. It was not observed in approximately 6,500 individuals of European and African American ancestry in the NHLBI Exome Sequencing Project, indicating it is not a common benign variant in these populations. The V440M variant is a conservative amino acid substitution, which is not likely to impact secondary protein structure as these residues share similar properties. This substitution occurs at a position where amino acids with similar properties to Valine are tolerated across species. However, in silico analysis predicts this variant is probably damaging to the protein structure/function. Therefore, based on the currently available information, it is unclear whether this variant is a pathogenic variant or a rare benign variant.

Clinical Genetics DNA and cytogenetics Diagnostics Lab, Erasmus MC, Erasmus Medical Center
Classification: Uncertain significance. Review status: no assertion criteria provided. Collection method: clinical testing. Allele origin: germline. Affected: yes. Study: VKGL Data-share Consensus. Not counted in ClinVar's aggregate classification.

Genome Diagnostics Laboratory, University Medical Center Utrecht
Classification: Uncertain significance. Review status: no assertion criteria provided. Collection method: clinical testing. Allele origin: germline. Affected: yes. Study: VKGL Data-share Consensus. Not counted in ClinVar's aggregate classification.

Joint Genome Diagnostic Labs from Nijmegen and Maastricht, Radboudumc and MUMC+
Classification: Uncertain significance. Review status: no assertion criteria provided. Collection method: clinical testing. Allele origin: germline. Affected: yes. Study: VKGL Data-share Consensus. Not counted in ClinVar's aggregate classification.